The following is an entry in ClinVar:

NM_000553.6(WRN):c.1964A>T (p.Gln655Leu)

Gene: WRN (WRN RecQ like helicase; plus strand). Cytogenetic location: 8p12.
Variant type: single nucleotide variant.
Coding change: c.1964A>T on transcript NM_000553.6 (MANE Select); coding-DNA position 1964, A replaced by T.
Protein change: p.Gln655Leu; replaces glutamine 655 with leucine.
Molecular consequence: missense variant.
Genome position (GRCh38, 1-based): chr8:31,096,833, A>T. VCF-style: chr8-31096833-A-T. GRCh37 (hg19) VCF-style: chr8-30954349-A-T.
Other names: short protein forms Q655L.
Identifiers: ClinVar variation 653701 (VCV000653701.7), dbSNP rs376938452, ClinGen allele CA4704574.
Genomic context (GRCh38, chr8:31,096,833, plus strand): 5'-AATACCGGATTGTATACGTAACTCCAGAATACTGTTCAGGTAACATGGGCCTGCTCCAGC[A>T]ACTTGAGGCTGATATTGGTAAGTGATAAAGAAAGATCTCTGTAAATACTTACTGAGTTAA-3'
Protein context (NP_000544.2, residues 645-665): YCSGNMGLLQ[Gln655Leu]LEADIGITLI

ClinVar aggregate classification (germline): Uncertain significance (1 of 4 stars; one submission).

Conditions:
Werner syndrome (WRN). Identifiers: Orphanet 902, MedGen C0043119, MONDO:0010196, OMIM 277700.

Allele frequency attached by ClinVar (database versions not stated): ExAC 0.00001; gnomAD 0.00001; gnomAD exomes 0.00001 and 0.00002; TOPMed 0.00001; ESP Exome Variant Server 0.00008.
gnomAD v4.1: 32 of 1,613,164 alleles (0.002%); highest among the groups gnomAD compares: Non-Finnish European, 0.0023%; no homozygotes.

Submission:

Labcorp Genetics (formerly Invitae), Labcorp
Classification: Uncertain significance for Werner syndrome. Last evaluated: 2025-11-17. Review status: criteria provided, single submitter. Criteria: Invitae Variant Classification Sherloc (09022015). Collection method: clinical testing. Allele origin: germline.
Comment: This sequence change replaces glutamine, which is neutral and polar, with leucine, which is neutral and non-polar, at codon 655 of the WRN protein (p.Gln655Leu). This variant is present in population databases (rs376938452, gnomAD 0.002%). This variant has not been reported in the literature in individuals affected with WRN-related conditions. ClinVar contains an entry for this variant (Variation ID: 653701). An algorithm developed to predict the effect of missense changes on protein structure and function (PolyPhen-2) suggests that this variant is likely to be tolerated. In summary, the available evidence is currently insufficient to determine the role of this variant in disease. Therefore, it has been classified as a Variant of Uncertain Significance.